The following is an entry in ClinVar:

NM_021224.6(ZNF462):c.6704T>A (p.Phe2235Tyr)

Gene: ZNF462 (zinc finger protein 462; plus strand). Cytogenetic location: 9q31.2.
Variant type: single nucleotide variant.
Coding change: c.6704T>A on transcript NM_021224.6 (MANE Select); coding-DNA position 6704, T replaced by A.
Protein change: p.Phe2235Tyr; replaces phenylalanine 2235 with tyrosine.
Molecular consequence: missense variant.
Genome position (GRCh38, 1-based): chr9:106,974,145, T>A. VCF-style: chr9-106974145-T-A. GRCh37 (hg19) VCF-style: chr9-109736426-T-A.
Other names: c.4109T>A, p.Phe1370Tyr (NM_001347997.2); short protein forms F1370Y, F2235Y.
Identifiers: ClinVar variation 4975602 (VCV004975602.1).

ClinVar aggregate classification (germline): Uncertain significance (1 of 4 stars; one submission).

Submission:

GeneDx
Classification: Uncertain significance. Last evaluated: 2026-01-24. Review status: criteria provided, single submitter. Criteria: GeneDx Variant Classification Process June 2021. Collection method: clinical testing. Allele origin: germline.
Comment: Not observed at significant frequency in large population cohorts (gnomAD); In silico analysis suggests that this missense variant does not alter protein structure/function; Has not been previously published as pathogenic or benign to our knowledge